The following is an entry in ClinVar:

NM_003482.4(KMT2D):c.3122A>G (p.Gln1041Arg)

Gene: KMT2D (lysine methyltransferase 2D; minus strand). Cytogenetic location: 12q13.12.
Variant type: single nucleotide variant.
Coding change: c.3122A>G on transcript NM_003482.4 (MANE Select); coding-DNA position 3122, A replaced by G.
Protein change: p.Gln1041Arg; replaces glutamine 1041 with arginine.
Molecular consequence: missense variant.
Genome position (GRCh38, 1-based): chr12:49,050,466, T>C on the plus strand (A>G on the coding strand, the complement: KMT2D is on the minus strand). VCF-style: chr12-49050466-T-C. GRCh37 (hg19) VCF-style: chr12-49444249-T-C.
Other names: c.3122A>G (NM_003482.3); short protein forms Q1041R.
Identifiers: ClinVar variation 1358277 (VCV001358277.11), dbSNP rs112615033, ClinGen allele CA6548114.

ClinVar aggregate classification (germline): Conflicting classifications of pathogenicity. Review status: criteria provided, conflicting classifications (1 of 4 stars). 3 submissions from 3 submitters: Uncertain significance (1); Benign (1). 1 of the submissions does not count toward it. Last evaluated 2025-04-01.

Conditions:
Kabuki syndrome. Also called: NIIKAWA-KUROKI SYNDROME; Kabuki make-up syndrome. Identifiers: Orphanet 2322, MedGen C0796004, MONDO:0016512.
KMT2D-related disorder. Also called: KMT2D-Related Disorders.

Allele frequency attached by ClinVar (database versions not stated): ExAC 0.00004; TOPMed 0.00002; gnomAD 0.00001; gnomAD exomes 0.00002.
gnomAD v4.1: 42 of 1,613,384 alleles (0.0026%); highest among the groups gnomAD compares: Non-Finnish European, 0.0036%; no homozygotes.

Submissions (3):

Labcorp Genetics (formerly Invitae), Labcorp
Classification: Benign for Kabuki syndrome. Last evaluated: 2025-04-01. Review status: criteria provided, single submitter. Criteria: Invitae Variant Classification Sherloc (09022015). Collection method: clinical testing. Allele origin: germline.

Women's Health and Genetics/Laboratory Corporation of America, LabCorp
Classification: Uncertain significance. Last evaluated: 2024-07-03. Review status: criteria provided, single submitter. Criteria: LabCorp Variant Classification Summary - May 2015. Collection method: clinical testing. Allele origin: germline.
Comment: Variant summary: KMT2D c.3122A>G (p.Gln1041Arg) results in a conservative amino acid change in the encoded protein sequence. Five of five in-silico tools predict a benign effect of the variant on protein function. The variant allele was found at a frequency of 2.4e-05 in 248442 control chromosomes, predominantly at a frequency of 5.3e-05 within the Non-Finnish European subpopulation in the gnomAD database. The available data on variant occurrences in the general population are insufficient to allow any conclusion about variant significance. c.3122A>G has been reported in the literature in one individual affected with unspecified neurological disorder and was evaluated as a Benign change (Boyle_2021). These report(s) do not provide unequivocal conclusions about association of the variant with Kabuki Syndrome 1. To our knowledge, no experimental evidence demonstrating an impact on protein function has been reported. The following publication has been ascertained in the context of this evaluation (PMID: 33880452). ClinVar contains an entry for this variant (Variation ID: 1358277). Based on the evidence outlined above, the variant was classified as uncertain significance.

PreventionGenetics, part of Exact Sciences
Classification: Uncertain significance for KMT2D-related condition. Last evaluated: 2023-12-21. Review status: no assertion criteria provided. Collection method: clinical testing. Allele origin: germline. Not counted in ClinVar's aggregate classification.
Comment: The KMT2D c.3122A>G variant is predicted to result in the amino acid substitution p.Gln1041Arg. To our knowledge, this variant has not been reported in the literature. This variant is reported in 0.0053% of alleles in individuals of European (Non-Finnish) descent in gnomAD. Although we suspect that this variant may be benign, at this time, the clinical significance of this variant is uncertain due to the absence of conclusive functional and genetic evidence.

Literature cited by the submitters: PubMed 33880452 (cited by Women's Health and Genetics/Laboratory Corporation of America, LabCorp).